The following is an entry in ClinVar:

ClinVar aggregate classification (germline): Uncertain significance (1 of 4 stars; one submission).

Conditions:
Inborn genetic diseases. Identifiers: MedGen C0950123, MeSH D030342.

gnomAD v4.1: 1 of 1,613,158 alleles (0.000062%); highest among the groups gnomAD compares: African/African-American, 0.0013%; no homozygotes.

Submission:

Ambry Genetics
Classification: Uncertain significance for Inborn genetic diseases. Last evaluated: 2024-12-31. Review status: criteria provided, single submitter. Criteria: Ambry Variant Classification Scheme 2023. Collection method: clinical testing. Allele origin: germline.
Comment: The c.139-3C>G intronic variant results from a C to G substitution 3 nucleotides upstream from coding exon 3 in the DDX41 gene. This nucleotide position is well conserved in available vertebrate species. In silico splice site analysis predicts that this alteration will weaken the native splice acceptor site. RNA studies have demonstrated that this alteration results in a transcript predicted to lead to a protein with an in-frame deletion of two amino acids; however, the exact functional impact of the deleted amino acids is unknown at this time (Ambry internal data). Based on the available evidence, the clinical significance of this variant remains unclear.

NM_016222.4(DDX41):c.139-3C>G

Gene: DDX41 (DEAD-box helicase 41; minus strand). Cytogenetic location: 5q35.3.
Variant type: single nucleotide variant.
Coding change: c.139-3C>G on transcript NM_016222.4 (MANE Select); 3 bases into the intron before coding-DNA position 139, C replaced by G.
Molecular consequence: intron variant. On other transcripts: 5 prime UTR variant (2).
Genome position (GRCh38, 1-based): chr5:177,516,450, G>C on the plus strand (C>G on the coding strand, the complement: DDX41 is on the minus strand). VCF-style: chr5-177516450-G-C. GRCh37 (hg19) VCF-style: chr5-176943451-G-C.
Other names: c.-243C>G (NM_001321732.2, NM_001321830.2).
Identifiers: ClinVar variation 3838935 (VCV003838935.1).